The following is an entry in ClinVar:

NM_021961.6(TEAD1):c.310G>T (p.Asp104Tyr)

Genes: TEAD1 (TEA domain transcription factor 1; plus strand), LOC124421495 (Sharpr-MPRA regulatory region 11610; plus strand). Cytogenetic location: 11p15.3.
Variant type: single nucleotide variant.
Coding change: c.310G>T on transcript NM_021961.6 (MANE Select); coding-DNA position 310, G replaced by T.
Protein change: p.Asp104Tyr; replaces aspartic acid 104 with tyrosine.
Molecular consequence: missense variant.
Genome position (GRCh38, 1-based): chr11:12,864,880, G>T. VCF-style: chr11-12864880-G-T. GRCh37 (hg19) VCF-style: chr11-12886427-G-T.
Other names: short protein forms D104Y.
Identifiers: ClinVar variation 2753595 (VCV002753595.3), dbSNP rs2494565775, ClinGen allele CA379708574.

ClinVar aggregate classification (germline): Uncertain significance (1 of 4 stars; one submission).

Allele frequency attached by ClinVar (database versions not stated): gnomAD exomes below 0.00001.
gnomAD v4.1: 2 of 1,614,104 alleles (0.00012%); highest among the groups gnomAD compares: Non-Finnish European, 0.00017%; no homozygotes.

Submission:

Labcorp Genetics (formerly Invitae), Labcorp
Classification: Uncertain significance. Last evaluated: 2023-08-17. Review status: criteria provided, single submitter. Criteria: Invitae Variant Classification Sherloc (09022015). Collection method: clinical testing. Allele origin: germline.
Comment: This variant is not present in population databases (gnomAD no frequency). This variant has not been reported in the literature in individuals affected with TEAD1-related conditions. Advanced modeling of protein sequence and biophysical properties (such as structural, functional, and spatial information, amino acid conservation, physicochemical variation, residue mobility, and thermodynamic stability) performed at Invitae indicates that this missense variant is not expected to disrupt TEAD1 protein function. In summary, the available evidence is currently insufficient to determine the role of this variant in disease. Therefore, it has been classified as a Variant of Uncertain Significance. This sequence change replaces aspartic acid, which is acidic and polar, with tyrosine, which is neutral and polar, at codon 104 of the TEAD1 protein (p.Asp104Tyr).